The following is an entry in ClinVar:

ClinVar aggregate classification (germline): Likely benign (0 of 4 stars; one submission).

Conditions:
TBR1-related disorder. Also called: TBR1-related condition.

Allele frequency attached by ClinVar (database versions not stated): gnomAD 0.00001; gnomAD exomes 0.00004; ExAC 0.00005; 1000 Genomes Project 30x 0.00016; 1000 Genomes Project 0.00020.
gnomAD v4.1: 65 of 1,614,016 alleles (0.004%); highest among the groups gnomAD compares: South Asian, 0.067%; no homozygotes.

Submission:

PreventionGenetics, part of Exact Sciences
Classification: Likely benign for TBR1-related condition. Last evaluated: 2019-03-19. Review status: no assertion criteria provided. Collection method: clinical testing. Allele origin: germline.
Comment: This variant is classified as likely benign based on ACMG/AMP sequence variant interpretation guidelines (Richards et al. 2015 PMID: 25741868, with internal and published modifications).

NM_006593.4(TBR1):c.459C>T (p.Thr153=)

Gene: TBR1 (T-box brain transcription factor 1; plus strand). Cytogenetic location: 2q24.2.
Variant type: single nucleotide variant.
Coding change: c.459C>T on transcript NM_006593.4 (MANE Select); coding-DNA position 459, C replaced by T.
Protein change: p.Thr153=; no amino-acid change (threonine 153 retained).
Molecular consequence: synonymous variant.
Genome position (GRCh38, 1-based): chr2:161,416,869, C>T. VCF-style: chr2-161416869-C-T. GRCh37 (hg19) VCF-style: chr2-162273380-C-T.
Identifiers: ClinVar variation 3041633 (VCV003041633.2), dbSNP rs559777444, ClinGen allele CA1930770.